The following is an entry in ClinVar:

ClinVar aggregate classification (germline): Uncertain significance. Review status: criteria provided, multiple submitters, no conflicts (2 of 4 stars). 2 submissions from 2 submitters: Uncertain significance (2). Last evaluated 2026-03-13.

gnomAD v4.1: 54 of 1,613,264 alleles (0.0033%); highest among the groups gnomAD compares: African/African-American, 0.061%; no homozygotes.

Submissions (2):

GeneDx
Classification: Uncertain significance. Last evaluated: 2026-03-13. Review status: criteria provided, single submitter. Criteria: GeneDx Variant Classification Process June 2021. Collection method: clinical testing. Allele origin: germline.
Comment: In silico analysis suggests that this missense variant does not alter protein structure/function; Has not been previously published as pathogenic or benign to our knowledge

Ambry Genetics
Classification: Uncertain significance. Last evaluated: 2024-11-09. Review status: criteria provided, single submitter. Criteria: Ambry Variant Classification Scheme 2023. Collection method: clinical testing. Allele origin: germline.

NM_001004320.2(AGMO):c.859G>C (p.Ala287Pro)

Gene: AGMO (alkylglycerol monooxygenase; minus strand). Cytogenetic location: 7p21.2.
Variant type: single nucleotide variant.
Coding change: c.859G>C on transcript NM_001004320.2 (MANE Select); coding-DNA position 859, G replaced by C.
Protein change: p.Ala287Pro; replaces alanine 287 with proline.
Molecular consequence: missense variant.
Genome position (GRCh38, 1-based): chr7:15,387,504, C>G on the plus strand (G>C on the coding strand, the complement: AGMO is on the minus strand). VCF-style: chr7-15387504-C-G. GRCh37 (hg19) VCF-style: chr7-15427129-C-G.
Other names: short protein forms A287P.
Identifiers: ClinVar variation 3507005 (VCV003507005.2).
Genomic context (GRCh38, chr7:15,387,504, plus strand): 5'-CTGGACCCCATCCCGGTCCCTTAAATATGACAGAAAACTTATTGAAGAATCCAGGTGTGG[C>G]CCAGAATGTAGTCCATATGGAAAATAAGTGATGGAACTAGAAACAATAAAAAAAGAGCTT-3'
Protein context (NP_001004320.1, residues 277-297): HLFSIWTTFW[Ala287Pro]TPGFFNKFSV